The following is an entry in ClinVar:

ClinVar aggregate classification (germline): Uncertain significance. Review status: criteria provided, multiple submitters, no conflicts (2 of 4 stars). 2 submissions from 2 submitters: Uncertain significance (2). Last evaluated 2022-11-07.

Conditions:
Inborn genetic diseases. Identifiers: MedGen C0950123, MeSH D030342.

Allele frequency attached by ClinVar (database versions not stated): TOPMed 0.00002; gnomAD 0.00003; gnomAD exomes 0.00003; ExAC 0.00012.
gnomAD v4.1: 43 of 1,612,622 alleles (0.0027%); highest among the groups gnomAD compares: Non-Finnish European, 0.0036%; no homozygotes.

Submissions (2):

Ambry Genetics
Classification: Uncertain significance for Inborn genetic diseases. Last evaluated: 2022-11-07. Review status: criteria provided, single submitter. Criteria: Ambry Variant Classification Scheme 2023. Collection method: clinical testing. Allele origin: germline.

Labcorp Genetics (formerly Invitae), Labcorp
Classification: Uncertain significance. Last evaluated: 2022-04-08. Review status: criteria provided, single submitter. Criteria: Invitae Variant Classification Sherloc (09022015). Collection method: clinical testing. Allele origin: germline.
Comment: In summary, the available evidence is currently insufficient to determine the role of this variant in disease. Therefore, it has been classified as a Variant of Uncertain Significance. Algorithms developed to predict the effect of missense changes on protein structure and function (SIFT, PolyPhen-2, Align-GVGD) all suggest that this variant is likely to be tolerated. This variant has not been reported in the literature in individuals affected with PEX3-related conditions. This variant is present in population databases (rs763947386, gnomAD 0.01%). This sequence change replaces valine, which is neutral and non-polar, with isoleucine, which is neutral and non-polar, at codon 182 of the PEX3 protein (p.Val182Ile).

NM_003630.3(PEX3):c.544G>A (p.Val182Ile)

Gene: PEX3 (peroxisomal biogenesis factor 3; plus strand). Cytogenetic location: 6q24.2.
Variant type: single nucleotide variant.
Coding change: c.544G>A on transcript NM_003630.3 (MANE Select); coding-DNA position 544, G replaced by A.
Protein change: p.Val182Ile; replaces valine 182 with isoleucine.
Molecular consequence: missense variant.
Genome position (GRCh38, 1-based): chr6:143,471,577, G>A. VCF-style: chr6-143471577-G-A. GRCh37 (hg19) VCF-style: chr6-143792714-G-A.
Other names: c.544G>A (NM_003630.2); short protein forms V182I.
Identifiers: ClinVar variation 2141541 (VCV002141541.3), dbSNP rs763947386, ClinGen allele CA4029620.